The following is an entry in ClinVar:

ClinVar aggregate classification (germline): Pathogenic (1 of 4 stars; one submission).

Conditions:
Retinoblastoma (RB1). Also called: RETINOBLASTOMA, SOMATIC. Identifiers: Orphanet 790, MedGen C0035335, MeSH D012175, MONDO:0008380, OMIM 180200, HP:0009919. Disease mechanism: loss of function. Inheritance: Both sporadic and heritable forms are tested..

Submission:

Labcorp Genetics (formerly Invitae), Labcorp
Classification: Pathogenic for Retinoblastoma. Last evaluated: 2019-10-29. Review status: criteria provided, single submitter. Criteria: Invitae Variant Classification Sherloc (09022015). Collection method: clinical testing. Allele origin: germline.
Comment: This sequence change creates a premature translational stop signal (p.Pro20Argfs*41) in the RB1 gene. It is expected to result in an absent or disrupted protein product. The frequency data for this variant in the population databases is considered unreliable, as metrics indicate insufficient coverage at this position in the ExAC database. This variant has been observed in an individual affected with bilateral retinoblastoma (LOVD). Loss-of-function variants in RB1 are known to be pathogenic (PMID: 17096365). For these reasons, this variant has been classified as Pathogenic.

Literature cited by the submitters: PubMed 17096365.

NM_000321.3(RB1):c.59_71del (p.Pro20fs)

Gene: RB1 (RB transcriptional corepressor 1; plus strand). Cytogenetic location: 13q14.2.
Variant type: Deletion.
Coding change: c.59_71del on transcript NM_000321.3 (MANE Select); coding-DNA positions 59 to 71, 13 bases deleted (CCCCGGCACCGCC).
Protein change: p.Pro20fs; shifts the reading frame from proline 20.
Molecular consequence: frameshift variant.
Genome position (GRCh38, 1-based): chr13:48,303,971-48,303,983, CCCCGGCACCGCC deleted; deleting any 13 consecutive bases within chr13:48,303,970-48,303,983 gives the same sequence; the c. name uses the placement nearest the transcript's 3' end. VCF-style (leftmost placement, unchanged base first): chr13-48303969-ACCCCCGGCACCGC-A. GRCh37 (hg19) VCF-style: chr13-48878105-ACCCCCGGCACCGC-A.
Other names: short protein forms P20fs.
Identifiers: ClinVar variation 958244 (VCV000958244.8), dbSNP rs1952053203, ClinGen allele CA1139663283.
Genomic context (GRCh38, chr13:48,303,969, plus strand): 5'-CGTCATGCCGCCCAAAACCCCCCGAAAAACGGCCGCCACCGCCGCCGCTGCCGCCGCGGA[ACCCCCGGCACCGC>A]CGCCGCCGCCCCCTCCTGAGGAGGACCCAGAGCAGGACAGCGGCCCGGAGGACCTGCCTC-3'